The following is an entry in ClinVar:

NM_013254.4(TBK1):c.1876C>A (p.Leu626Ile)

Gene: TBK1 (TANK binding kinase 1; plus strand). Cytogenetic location: 12q14.2.
Variant type: single nucleotide variant.
Coding change: c.1876C>A on transcript NM_013254.4 (MANE Select); coding-DNA position 1876, C replaced by A.
Protein change: p.Leu626Ile; replaces leucine 626 with isoleucine.
Molecular consequence: missense variant.
Genome position (GRCh38, 1-based): chr12:64,497,176, C>A. VCF-style: chr12-64497176-C-A. GRCh37 (hg19) VCF-style: chr12-64890956-C-A.
Other names: short protein forms L626I.
Identifiers: ClinVar variation 1524850 (VCV001524850.6), dbSNP rs2136088345, ClinGen allele CA385606028.
Genomic context (GRCh38, chr12:64,497,176, plus strand): 5'-GAATGCTTCACTAGACTGCATATCAATTGATTCTTTTTGGTTTTCAGAAAGATGCTTCAT[C>A]TTAGGAAACAGTTATTATCGCTGACTAATCAGTGTTTTGATATTGAAGAAGAAGTATCAA-3'
Protein context (NP_037386.1, residues 616-636): SEEWIRKMLH[Leu626Ile]RKQLLSLTNQ

ClinVar aggregate classification (germline): Uncertain significance (1 of 4 stars; one submission).

Conditions:
Frontotemporal dementia and/or amyotrophic lateral sclerosis 4. Also called: FTDALS4. Identifiers: Orphanet 275872, MedGen C4225325, MONDO:0014641, OMIM 616439.

Submission:

Labcorp Genetics (formerly Invitae), Labcorp
Classification: Uncertain significance for Frontotemporal dementia and/or amyotrophic lateral sclerosis 4. Last evaluated: 2021-09-15. Review status: criteria provided, single submitter. Criteria: Invitae Variant Classification Sherloc (09022015). Collection method: clinical testing. Allele origin: germline.
Comment: In summary, the available evidence is currently insufficient to determine the role of this variant in disease. Therefore, it has been classified as a Variant of Uncertain Significance. This variant has not been reported in the literature in individuals affected with TBK1-related conditions. This variant is not present in population databases (ExAC no frequency). This sequence change replaces leucine with isoleucine at codon 626 of the TBK1 protein (p.Leu626Ile). The leucine residue is moderately conserved and there is a small physicochemical difference between leucine and isoleucine. Advanced modeling of protein sequence and biophysical properties (such as structural, functional, and spatial information, amino acid conservation, physicochemical variation, residue mobility, and thermodynamic stability) performed at Invitae indicates that this missense variant is not expected to disrupt TBK1 protein function.